The following is an entry in ClinVar:

NM_021930.6(RINT1):c.137G>A (p.Gly46Asp)

Gene: RINT1 (RAD50 interactor 1; plus strand). Cytogenetic location: 7q22.3.
Variant type: single nucleotide variant.
Coding change: c.137G>A on transcript NM_021930.6 (MANE Select); coding-DNA position 137, G replaced by A.
Protein change: p.Gly46Asp; replaces glycine 46 with aspartic acid.
Molecular consequence: missense variant. On other transcripts: 5 prime UTR variant (3), non-coding transcript variant (1), splice donor variant (1).
Genome position (GRCh38, 1-based): chr7:105,536,613, G>A. VCF-style: chr7-105536613-G-A. GRCh37 (hg19) VCF-style: chr7-105177060-G-A.
Other names: c.-883G>A (NM_001346600.2); c.-786G>A (NM_001346601.2); c.-406G>A (NM_001346603.2); c.39+1G>A (NM_001346599.2); short protein forms G46D.
Identifiers: ClinVar variation 1025485 (VCV001025485.9), dbSNP rs961084109, ClinGen allele CA164046971.
Genomic context (GRCh38, chr7:105,536,613, plus strand): 5'-CTTTTGTTGTAGGTGACATAAATGTTACAGTTCTTATTGGAAGTAAACAAGTCAGTGAAG[G>A]TACAGATAATGGTGATCTCCCTTCTTATGTGTCTGCATTCATAGAAAAGGAAGTTGGAAA-3'
Protein context (NP_068749.3, residues 36-56): VLIGSKQVSE[Gly46Asp]TDNGDLPSYV

ClinVar aggregate classification (germline): Conflicting classifications of pathogenicity. Review status: criteria provided, conflicting classifications (1 of 4 stars). 2 submissions from 2 submitters: Uncertain significance (1); Likely benign (1). Last evaluated 2024-03-29.

Allele frequency attached by ClinVar (database versions not stated): TOPMed 0.00001.
gnomAD v4.1: 2 of 1,610,702 alleles (0.00012%); highest among the groups gnomAD compares: Non-Finnish European, 0.00017%; no homozygotes.

Submissions (2):

Ambry Genetics
Classification: Likely benign. Last evaluated: 2024-03-29. Review status: criteria provided, single submitter. Criteria: Ambry Variant Classification Scheme 2023. Collection method: clinical testing. Allele origin: germline.

Labcorp Genetics (formerly Invitae), Labcorp
Classification: Uncertain significance. Last evaluated: 2021-11-24. Review status: criteria provided, single submitter. Criteria: Invitae Variant Classification Sherloc (09022015). Collection method: clinical testing. Allele origin: germline.
Comment: In summary, the available evidence is currently insufficient to determine the role of this variant in disease. Therefore, it has been classified as a Variant of Uncertain Significance. Algorithms developed to predict the effect of missense changes on protein structure and function output the following: SIFT: "Tolerated"; PolyPhen-2: "Benign"; Align-GVGD: "Class C0". The aspartic acid amino acid residue is found in multiple mammalian species, which suggests that this missense change does not adversely affect protein function. ClinVar contains an entry for this variant (Variation ID: 1025485). This variant has not been reported in the literature in individuals affected with RINT1-related conditions. This variant is not present in population databases (gnomAD no frequency). This sequence change replaces glycine, which is neutral and non-polar, with aspartic acid, which is acidic and polar, at codon 46 of the RINT1 protein (p.Gly46Asp).